The following is an entry in ClinVar:

NM_014208.3(DSPP):c.1411T>C (p.Ser471Pro)

Genes: DMP1-AS1 (DMP1 and DSPP antisense RNA 1; minus strand), DSPP (dentin sialophosphoprotein; plus strand). Cytogenetic location: 4q22.1.
Variant type: single nucleotide variant.
Coding change: c.1411T>C on transcript NM_014208.3 (MANE Select); coding-DNA position 1411, T replaced by C.
Protein change: p.Ser471Pro; replaces serine 471 with proline.
Molecular consequence: missense variant.
Genome position (GRCh38, 1-based): chr4:87,614,073, T>C. VCF-style: chr4-87614073-T-C. GRCh37 (hg19) VCF-style: chr4-88535225-T-C.
Other names: short protein forms S471P.
Identifiers: ClinVar variation 1307040 (VCV001307040.3), dbSNP rs1024561548, ClinGen allele CA100853131.

ClinVar aggregate classification (germline): Uncertain significance (1 of 4 stars; one submission).

Allele frequency attached by ClinVar (database versions not stated): gnomAD exomes 0.00001; TOPMed below 0.00001; gnomAD 0.00001.

Submission:

GeneDx
Classification: Uncertain significance. Last evaluated: 2024-04-08. Review status: criteria provided, single submitter. Criteria: GeneDx Variant Classification Process June 2021. Collection method: clinical testing. Allele origin: germline. Affected: yes.
Comment: Not observed at significant frequency in large population cohorts (gnomAD); In silico analysis, which includes protein predictors and evolutionary conservation, supports that this variant does not alter protein structure/function; Has not been previously published as pathogenic or benign to our knowledge